The following is an entry in ClinVar:

NM_175940.3(DUOX1):c.615T>C (p.Phe205=)

Gene: DUOX1 (dual oxidase 1; plus strand). Cytogenetic location: 15q21.1.
Variant type: single nucleotide variant.
Coding change: c.615T>C on transcript NM_175940.3 (MANE Select); coding-DNA position 615, T replaced by C.
Protein change: p.Phe205=; no amino-acid change (phenylalanine 205 retained).
Molecular consequence: synonymous variant.
Genome position (GRCh38, 1-based): chr15:45,135,593, T>C. VCF-style: chr15-45135593-T-C. GRCh37 (hg19) VCF-style: chr15-45427791-T-C.
Other names: c.615T>C, p.Phe205= (NM_017434.5).
Identifiers: ClinVar variation 2645295 (VCV002645295.24), dbSNP rs2258993, ClinGen allele CA7540224.

ClinVar aggregate classification (germline): Likely benign (1 of 4 stars; one submission).

Allele frequency attached by ClinVar (database versions not stated): 1000 Genomes Project 0.00120; ExAC 0.00177; 1000 Genomes Project 30x 0.00219.

Submission:

CeGaT Center for Human Genetics Tuebingen
Classification: Likely benign. Last evaluated: 2022-11-01. Review status: criteria provided, single submitter. Criteria: CeGaT Center For Human Genetics Tuebingen Variant Classification Criteria Version 2. Collection method: clinical testing. Allele origin: germline. Affected: yes. Observed: 1 variant allele.
Comment: DUOX1: BP4, BP7